The following is an entry in ClinVar:

NM_001287.6(CLCN7):c.1986C>A (p.Pro662=)

Gene: CLCN7 (chloride voltage-gated channel 7; minus strand). Cytogenetic location: 16p13.3.
Variant type: single nucleotide variant.
Coding change: c.1986C>A on transcript NM_001287.6 (MANE Select); coding-DNA position 1986, C replaced by A.
Protein change: p.Pro662=; no amino-acid change (proline 662 retained).
Molecular consequence: synonymous variant.
Genome position (GRCh38, 1-based): chr16:1,448,382, G>T on the plus strand (C>A on the coding strand, the complement: CLCN7 is on the minus strand). VCF-style: chr16-1448382-G-T. GRCh37 (hg19) VCF-style: chr16-1498383-G-T.
Other names: c.1914C>A, p.Pro638= (NM_001114331.3).
Identifiers: ClinVar variation 3050610 (VCV003050610.2), dbSNP rs374264233, ClinGen allele CA492916825.

ClinVar aggregate classification (germline): Likely benign (0 of 4 stars; one submission).

Conditions:
CLCN7-related disorder. Also called: CLCN7-related condition.

Submission:

PreventionGenetics, part of Exact Sciences
Classification: Likely benign for CLCN7-related condition. Last evaluated: 2022-07-19. Review status: no assertion criteria provided. Collection method: clinical testing. Allele origin: germline.
Comment: This variant is classified as likely benign based on ACMG/AMP sequence variant interpretation guidelines (Richards et al. 2015 PMID: 25741868, with internal and published modifications).